The following is an entry in ClinVar:

NM_004974.4(KCNA2):c.585dup (p.His196fs)

Gene: KCNA2 (potassium voltage-gated channel subfamily A member 2; minus strand). Cytogenetic location: 1p13.3.
Variant type: Duplication.
Coding change: c.585dup on transcript NM_004974.4 (MANE Select); coding-DNA position 585, one base duplicated (G; older notation c.585dupG).
Protein change: p.His196fs; shifts the reading frame from histidine 196.
Molecular consequence: frameshift variant.
Genome position (GRCh38, 1-based): chr1:110,604,198, C duplicated on the plus strand (G on the coding strand, the reverse complement: KCNA2 is on the minus strand). VCF-style (leftmost placement, unchanged base first): chr1-110604197-G-GC. GRCh37 (hg19) VCF-style: chr1-111146819-G-GC.
Other names: c.585dup, p.His196fs (NM_001204269.2); short protein forms H196fs.
Identifiers: ClinVar variation 1710481 (VCV001710481.3), dbSNP rs2524620540, ClinGen allele CA2580060809.

ClinVar aggregate classification (germline): Likely pathogenic (1 of 4 stars; one submission).

Conditions:
Developmental and epileptic encephalopathy, 32 (DEE32). Also called: Epileptic encephalopathy, early infantile, 32. Identifiers: Orphanet 442835, MedGen C4225350, MONDO:0014607, OMIM 616366.

Submission:

Greenwood Genetic Center Diagnostic Laboratories, Greenwood Genetic Center
Classification: Likely pathogenic for Developmental and epileptic encephalopathy, 32. Last evaluated: 2022-08-10. Review status: criteria provided, single submitter. Criteria: ACMG Guidelines, 2015. Collection method: clinical testing. Allele origin: germline. Affected: yes.
Comment: PVS1_Moderate, PS2, PM2